The following is an entry in ClinVar:

NM_001164508.2(NEB):c.5932A>G (p.Met1978Val)

Gene: NEB (nebulin; minus strand). Cytogenetic location: 2q23.3.
Variant type: single nucleotide variant.
Coding change: c.5932A>G on transcript NM_001164508.2 (MANE Select); coding-DNA position 5932, A replaced by G.
Protein change: p.Met1978Val; replaces methionine 1978 with valine.
Molecular consequence: missense variant.
Genome position (GRCh38, 1-based): chr2:151,662,173, T>C on the plus strand (A>G on the coding strand, the complement: NEB is on the minus strand). VCF-style: chr2-151662173-T-C. GRCh37 (hg19) VCF-style: chr2-152518687-T-C.
Other names: p.Met1978Val; c.5932A>G, p.Met1978Val (NM_001164507.2, NM_001271208.2, NM_004543.5); short protein forms M1978V.
Identifiers: ClinVar variation 2682750 (VCV002682750.1), dbSNP rs779273439, ClinGen allele CA1910240.

ClinVar aggregate classification (germline): Uncertain significance (1 of 4 stars; one submission).

Allele frequency attached by ClinVar (database versions not stated): gnomAD exomes below 0.00001; ExAC 0.00001; gnomAD 0.00001.

Submission:

Mayo Clinic Laboratories, Mayo Clinic
Classification: Uncertain significance. Last evaluated: 2022-02-08. Review status: criteria provided, single submitter. Criteria: ACMG Guidelines, 2015. Collection method: clinical testing. Allele origin: germline. Observed: 1 variant allele.
Comment: BP4